The following is an entry in ClinVar:

ClinVar aggregate classification (germline): Uncertain significance (1 of 4 stars; one submission).

Submission:

GeneDx
Classification: Uncertain significance. Last evaluated: 2025-06-12. Review status: criteria provided, single submitter. Criteria: GeneDx Variant Classification Process June 2021. Collection method: clinical testing. Allele origin: germline. Affected: yes.
Comment: Not observed at significant frequency in large population cohorts (gnomAD); In silico analysis supports that this missense variant has a deleterious effect on protein structure/function; In silico analysis is inconclusive as to whether the variant alters gene splicing. In the absence of RNA/functional studies, the actual effect of this sequence change is unknown.; Has not been previously published as pathogenic or benign to our knowledge

NM_005676.5(RBM10):c.2511G>C (p.Lys837Asn)

Gene: RBM10 (RNA binding motif protein 10; plus strand). Cytogenetic location: Xp11.3.
Variant type: single nucleotide variant.
Coding change: c.2511G>C on transcript NM_005676.5 (MANE Select); coding-DNA position 2511, G replaced by C.
Protein change: p.Lys837Asn; replaces lysine 837 with asparagine.
Molecular consequence: missense variant.
Genome position (GRCh38, 1-based): chrX:47,186,145, G>C. VCF-style: chrX-47186145-G-C. GRCh37 (hg19) VCF-style: chrX-47045544-G-C.
Other names: c.2280G>C, p.Lys760Asn (NM_001204466.2); c.2508G>C, p.Lys836Asn (NM_001204467.2); c.2706G>C, p.Lys902Asn (NM_001204468.2); c.2277G>C, p.Lys759Asn (NM_152856.3); short protein forms K759N, K760N, K836N, K837N, K902N.
Identifiers: ClinVar variation 1806617 (VCV001806617.4), dbSNP rs2147223676, ClinGen allele CA412809201.